The following is an entry in ClinVar:

NC_000023.10:g.(31986632_32235032)_(32519960_32536124)dup

Gene: DMD (dystrophin; minus strand). Cytogenetic location: Xp21.1.
Variant type: Duplication.
Identifiers: ClinVar variation 1722391 (VCV001722391.1).

ClinVar aggregate classification (germline): Pathogenic (1 of 4 stars; one submission).

Conditions:
Neuromuscular disease caused by qualitative or quantitative defects of dystrophin. Also called: Qualitative or quantitative defects of dystrophin. Identifiers: Orphanet 207085, MedGen C5679787, MONDO:0016147.

Submission:

Women's Health and Genetics/Laboratory Corporation of America, LabCorp
Classification: Pathogenic for Neuromuscular disease caused by qualitative or quantitative defects of dystrophin. Last evaluated: 2022-09-20. Review status: criteria provided, single submitter. Criteria: LabCorp Variant Classification Summary - May 2015. Collection method: clinical testing. Allele origin: germline.
Comment: Variant summary: The variant identified by MLPA or other technology involves the duplication of exons 19-44 in the DMD gene. A presumed nomenclature of c.(2292+1_2293-1)_(6438+1_6439-1)dup has been designated for the purposes of this classification. It has been assumed that this is a tandem duplication in direct orientation (Richardson_GIM_2018, Newman_AJHG_2015). Although exact breakpoints of this duplication are not known, it is expected to result in a large in-frame duplication change in the DMD gene. The variant allele was found at a frequency of 6.2e-05 in 16120 control chromosomes. c.(2292+1_2293-1)_(6438+1_6439-1)dup has been reported in the literature in individuals affected with Dystrophinopathies. These data indicate that the variant is likely to be associated with disease. To our knowledge, no experimental evidence demonstrating an impact on protein function has been reported. One clinical diagnostic laboratory has submitted clinical-significance assessments for this variant to ClinVar after 2014 without evidence for independent evaluation and classified as likely pathogenic. Based on the evidence outlined above, the variant was classified as pathogenic.

Literature cited by the submitters: PubMed 25972034; PubMed 17561468.